The following is an entry in ClinVar:

ClinVar aggregate classification (germline): Pathogenic (1 of 4 stars; one submission).

Conditions:
Schimke immuno-osseous dysplasia (SIOD). Also called: Schimke Immunoosseous Dysplasia. Identifiers: Orphanet 1830, MedGen C0877024, MONDO:0009458, OMIM 242900.

Submission:

Labcorp Genetics (formerly Invitae), Labcorp
Classification: Pathogenic for Schimke immuno-osseous dysplasia. Last evaluated: 2022-12-21. Review status: criteria provided, single submitter. Criteria: Invitae Variant Classification Sherloc (09022015). Collection method: clinical testing. Allele origin: germline.
Comment: This variant has not been reported in the literature in individuals affected with SMARCAL1-related conditions. For these reasons, this variant has been classified as Pathogenic. This variant is not present in population databases (gnomAD no frequency). This sequence change creates a premature translational stop signal (p.His87Glnfs*53) in the SMARCAL1 gene. It is expected to result in an absent or disrupted protein product. Loss-of-function variants in SMARCAL1 are known to be pathogenic (PMID: 11799392, 20301550).

Literature cited by the submitters: PubMed 11799392; PubMed 20301550.

NM_014140.4(SMARCAL1):c.261del (p.His87fs)

Gene: SMARCAL1 (SNF2 related chromatin remodeling annealing helicase 1; plus strand). Cytogenetic location: 2q35.
Variant type: Deletion.
Coding change: c.261del on transcript NM_014140.4 (MANE Select); coding-DNA position 261, one base deleted (T; older notation c.261delT).
Protein change: p.His87fs; shifts the reading frame from histidine 87.
Molecular consequence: frameshift variant.
Genome position (GRCh38, 1-based): chr2:216,414,965, T deleted. VCF-style (leftmost placement, unchanged base first): chr2-216414964-AT-A. GRCh37 (hg19) VCF-style: chr2-217279687-AT-A.
Other names: c.261del, p.His87fs (NM_001127207.2); short protein forms H87fs.
Identifiers: ClinVar variation 2798150 (VCV002798150.3), dbSNP rs2469610974, ClinGen allele CA2739278287.